The following is an entry in ClinVar:

ClinVar aggregate classification (germline): Uncertain significance (1 of 4 stars; one submission).

Conditions:
Hereditary cancer-predisposing syndrome. Also called: Neoplastic Syndromes, Hereditary; Tumor predisposition; Hereditary Cancer Syndrome; Hereditary neoplastic syndrome. Identifiers: Orphanet 140162, MedGen C0027672, MeSH D009386, MONDO:0015356.

Submission:

Ambry Genetics
Classification: Uncertain significance for Hereditary cancer-predisposing syndrome. Last evaluated: 2021-12-02. Review status: criteria provided, single submitter. Criteria: Ambry Variant Classification Scheme 2023. Collection method: clinical testing. Allele origin: germline.
Comment: The p.A215T variant (also known as c.643G>A), located in coding exon 5 of the POLD1 gene, results from a G to A substitution at nucleotide position 643. The alanine at codon 215 is replaced by threonine, an amino acid with similar properties. This amino acid position is conserved. In addition, this alteration is predicted to be tolerated by in silico analysis. Since supporting evidence is limited at this time, the clinical significance of this alteration remains unclear.

NM_002691.4(POLD1):c.643G>A (p.Ala215Thr)

Gene: POLD1 (DNA polymerase delta 1, catalytic subunit; plus strand). Cytogenetic location: 19q13.33.
Variant type: single nucleotide variant.
Coding change: c.643G>A on transcript NM_002691.4 (MANE Select); coding-DNA position 643, G replaced by A.
Protein change: p.Ala215Thr; replaces alanine 215 with threonine.
Molecular consequence: missense variant. On other transcripts: non-coding transcript variant (1).
Genome position (GRCh38, 1-based): chr19:50,402,258, G>A. VCF-style: chr19-50402258-G-A. GRCh37 (hg19) VCF-style: chr19-50905515-G-A.
Other names: c.643G>A, p.Ala215Thr (NM_001256849.1, NM_001308632.1); short protein forms A215T.
Identifiers: ClinVar variation 1753537 (VCV001753537.2), dbSNP rs2038675489, ClinGen allele CA406974075.
Genomic context (GRCh38, chr19:50,402,258, plus strand): 5'-TCCACAGGCATGTTTGGGTACCACGGGCACGGCCCCTCCCCGTTCCTGCGCATCACCGTG[G>A]CGCTGCCGCGCCTCGTGGCCCCGGCCCGCCGTCTCCTGGAACAGGGCATCCGTGTGGCAG-3'
Protein context (NP_002682.2, residues 205-225): GPSPFLRITV[Ala215Thr]LPRLVAPARR